The following is an entry in ClinVar:

ClinVar aggregate classification (germline): Uncertain significance (1 of 4 stars; one submission).

Conditions:
Syndromic multisystem autoimmune disease due to ITCH deficiency. Also called: AUTOIMMUNE DISEASE, MULTISYSTEM, WITH FACIAL DYSMORPHISM. Identifiers: Orphanet 228426, MedGen C3150649, MONDO:0013245, OMIM 613385.

Submission:

Labcorp Genetics (formerly Invitae), Labcorp
Classification: Uncertain significance for Syndromic multisystem autoimmune disease due to ITCH deficiency. Last evaluated: 2022-10-18. Review status: criteria provided, single submitter. Criteria: Invitae Variant Classification Sherloc (09022015). Collection method: clinical testing. Allele origin: germline.
Comment: This sequence change replaces aspartic acid, which is acidic and polar, with glycine, which is neutral and non-polar, at codon 328 of the ITCH protein (p.Asp328Gly). In summary, the available evidence is currently insufficient to determine the role of this variant in disease. Therefore, it has been classified as a Variant of Uncertain Significance. Algorithms developed to predict the effect of missense changes on protein structure and function are either unavailable or do not agree on the potential impact of this missense change (SIFT: "Not Available"; PolyPhen-2: "Benign"; Align-GVGD: "Not Available"). This variant has not been reported in the literature in individuals affected with ITCH-related conditions. This variant is not present in population databases (gnomAD no frequency).

NM_031483.7(ITCH):c.983A>G (p.Asp328Gly)

Gene: ITCH (itchy E3 ubiquitin protein ligase; plus strand). Cytogenetic location: 20q11.22.
Variant type: single nucleotide variant.
Coding change: c.983A>G on transcript NM_031483.7 (MANE Select); coding-DNA position 983, A replaced by G.
Protein change: p.Asp328Gly; replaces aspartic acid 328 with glycine.
Molecular consequence: missense variant.
Genome position (GRCh38, 1-based): chr20:34,445,304, A>G. VCF-style: chr20-34445304-A-G. GRCh37 (hg19) VCF-style: chr20-33033109-A-G.
Other names: c.1106A>G, p.Asp369Gly (NM_001257137.3, NM_001324197.2); c.653A>G, p.Asp218Gly (NM_001257138.3); c.983A>G, p.Asp328Gly (NM_001324198.2); short protein forms D218G, D328G, D369G.
Identifiers: ClinVar variation 1904046 (VCV001904046.5), dbSNP rs2515694622, ClinGen allele CA408663905.